The following is an entry in ClinVar:

ClinVar aggregate classification (germline): Uncertain significance. Review status: criteria provided, multiple submitters, no conflicts (2 of 4 stars). 2 submissions from 2 submitters: Uncertain significance (2). Last evaluated 2022-04-15.

Conditions:
Insulin-dependent diabetes mellitus secretory diarrhea syndrome (IPEX). Also called: Immune dysregulation-polyendocrinopathy-enteropathy-X-linked syndrome; IMMUNODEFICIENCY, POLYENDOCRINOPATHY, AND ENTEROPATHY, X-LINKED; IPEX and IPEX-Like; Immunodeficiency, Polyendocrinopathy, and Enteropathy X-Linked Syndrome; X-Linked Syndrome of Polyendocrinopathy, Immune Dysfunction, and Diarrhea; Immunodysregulation, polyendocrinopathy, and enteropathy, X-linked. Identifiers: Orphanet 37042, MedGen C0342288, MONDO:0010580, OMIM 304790. Disease mechanism: loss of function.

Allele frequency attached by ClinVar (database versions not stated): gnomAD exomes below 0.00001; TOPMed 0.00001.

Submissions (2):

Labcorp Genetics (formerly Invitae), Labcorp
Classification: Uncertain significance for Insulin-dependent diabetes mellitus secretory diarrhea syndrome. Last evaluated: 2022-04-15. Review status: criteria provided, single submitter. Criteria: Invitae Variant Classification Sherloc (09022015). Collection method: clinical testing. Allele origin: germline.
Comment: This sequence change replaces cysteine, which is neutral and slightly polar, with tyrosine, which is neutral and polar, at codon 169 of the FOXP3 protein (p.Cys169Tyr). This variant is not present in population databases (gnomAD no frequency). In summary, the available evidence is currently insufficient to determine the role of this variant in disease. Therefore, it has been classified as a Variant of Uncertain Significance. Algorithms developed to predict the effect of missense changes on protein structure and function output the following: SIFT: "Tolerated"; PolyPhen-2: "Benign"; Align-GVGD: "Class C0". The tyrosine amino acid residue is found in multiple mammalian species, which suggests that this missense change does not adversely affect protein function. ClinVar contains an entry for this variant (Variation ID: 846441). This missense change has been observed in individual(s) with clinical features of IPEX syndrome (PMID: 33833438).

Fulgent Genetics
Classification: Uncertain significance for Insulin-dependent diabetes mellitus secretory diarrhea syndrome. Last evaluated: 2022-01-05. Review status: criteria provided, single submitter. Criteria: ACMG Guidelines, 2015. Collection method: clinical testing. Allele origin: unknown.

Literature cited by the submitters: PubMed 33833438 (cited by Labcorp Genetics (formerly Invitae), Labcorp).

NM_014009.4(FOXP3):c.506G>A (p.Cys169Tyr)

Gene: FOXP3 (forkhead box P3; minus strand). Cytogenetic location: Xp11.23.
Variant type: single nucleotide variant.
Coding change: c.506G>A on transcript NM_014009.4 (MANE Select); coding-DNA position 506, G replaced by A.
Protein change: p.Cys169Tyr; replaces cysteine 169 with tyrosine.
Molecular consequence: missense variant.
Genome position (GRCh38, 1-based): chrX:49,256,961, C>T on the plus strand (G>A on the coding strand, the complement: FOXP3 is on the minus strand). VCF-style: chrX-49256961-C-T. GRCh37 (hg19) VCF-style: chrX-49113418-C-T.
Other names: c.401G>A, p.Cys134Tyr (NM_001114377.2); short protein forms C169Y, C134Y.
Identifiers: ClinVar variation 846441 (VCV000846441.10), dbSNP rs1284218417, ClinGen allele CA412952446.